The following is an entry in ClinVar:

NM_004960.4(FUS):c.669CGG[10] (p.Gly228_Gly231dup)

Gene: FUS (FUS RNA binding protein; plus strand). Cytogenetic location: 16p11.2.
Variant type: Microsatellite.
Coding change: c.669CGG[10] on transcript NM_004960.4 (MANE Select); ten copies in a row of the 3-base unit CGG starting at c.669; the reference has six copies in a row; four copies, 12 bases duplicated.
Protein change: p.Gly228_Gly231dup.
Molecular consequence: inframe insertion. On other transcripts: non-coding transcript variant (1).
Genome position (GRCh38, 1-based): chr16:31,185,090-31,185,101, CGGCGGCGGCGG duplicated; duplicating any 12 consecutive bases within chr16:31,185,082-31,185,101 gives the same sequence; the position shown is the placement nearest the transcript's 3' end. VCF-style (leftmost placement, unchanged base first): chr16-31185081-T-TGGCGGCGGCGGC. GRCh37 (hg19) VCF-style: chr16-31196402-T-TGGCGGCGGCGGC.
Other names: c.666CGG[10], p.Gly227_Gly230dup (NM_001170634.1); c.657CGG[10], p.Gly224_Gly227dup (NM_001170937.1).
Identifiers: ClinVar variation 1350525 (VCV001350525.8), dbSNP rs72550890, ClinGen allele CA919689819.
Genomic context (GRCh38, chr16:31,185,081, plus strand): 5'-AGGTGGCAGCGGTGGCTATGGACAGCAGGACCGTGGAGGCCGCGGCAGGGGTGGCAGTGG[T>TGGCGGCGGCGGC]GGCGGCGGCGGCGGCGGCGGTGGTGGTTACAACCGCAGCAGTGGTGGCTATGAACCCAGA-3'

ClinVar aggregate classification (germline): Uncertain significance (1 of 4 stars; one submission).

Conditions:
Tremor, hereditary essential, 4 (ETM4). Identifiers: MedGen C3539195, MONDO:0013888, OMIM 614782.
Amyotrophic lateral sclerosis type 6. Also called: AMYOTROPHIC LATERAL SCLEROSIS 6 WITHOUT FRONTOTEMPORAL DEMENTIA; FUS-Related Amyotrophic Laterial Sclerosis; Amyotrophic lateral sclerosis 6, with or without frontotemporal dementia. Identifiers: Orphanet 275872, Orphanet 803, MedGen C2931786, MONDO:0011951, OMIM 608030.

Submission:

Labcorp Genetics (formerly Invitae), Labcorp
Classification: Uncertain significance for Tremor, hereditary essential, 4; Amyotrophic lateral sclerosis type 6. Last evaluated: 2021-06-12. Review status: criteria provided, single submitter. Criteria: Invitae Variant Classification Sherloc (09022015). Collection method: clinical testing. Allele origin: germline.
Comment: In summary, the available evidence is currently insufficient to determine the role of this variant in disease. Therefore, it has been classified as a Variant of Uncertain Significance. This variant, c.675_686dup, results in the insertion of 4 amino acid(s) to the FUS protein (p.Gly228_Gly231dup), but otherwise preserves the integrity of the reading frame. Experimental studies and prediction algorithms are not available or were not evaluated, and the functional significance of this variant is currently unknown. This variant has not been reported in the literature in individuals with FUS-related conditions. This variant is not present in population databases (ExAC no frequency).